The following is an entry in ClinVar:

NM_000222.3(KIT):c.2146G>A (p.Asp716Asn)

Gene: KIT (KIT proto-oncogene, receptor tyrosine kinase; plus strand). Cytogenetic location: 4q12.
Variant type: single nucleotide variant.
Coding change: c.2146G>A on transcript NM_000222.3 (MANE Select); coding-DNA position 2146, G replaced by A.
Protein change: p.Asp716Asn; replaces aspartic acid 716 with asparagine.
Molecular consequence: missense variant.
Genome position (GRCh38, 1-based): chr4:54,731,332, G>A. VCF-style: chr4-54731332-G-A. GRCh37 (hg19) VCF-style: chr4-55597498-G-A.
Other names: c.2134G>A, p.Asp712Asn (NM_001093772.2, NM_001385292.1); c.2149G>A, p.Asp717Asn (NM_001385284.1); c.2143G>A, p.Asp715Asn (NM_001385285.1); c.2131G>A, p.Asp711Asn (NM_001385286.1); c.2137G>A, p.Asp713Asn (NM_001385288.1); c.2146G>A, p.Asp716Asn (NM_001385290.1); short protein forms D716N, D712N, D711N, D713N, D715N, D717N.
Identifiers: ClinVar variation 409784 (VCV000409784.14), dbSNP rs769701248, ClinGen allele CA2923671.
Genomic context (GRCh38, chr4:54,731,332, plus strand): 5'-AGTGCCCTTCTACATGTCCCACTTGATTCAGTCATGACTTGTTTCATCTCTCCCAGCAGC[G>A]ATAGTACTAATGAGTACATGGACATGAAACCTGGAGTTTCTTATGTTGTCCCAACCAAGG-3'
Protein context (NP_000213.1, residues 706-726): LLHSKESSCS[Asp716Asn]STNEYMDMKP

ClinVar aggregate classification (germline): Conflicting classifications of pathogenicity. Review status: criteria provided, conflicting classifications (1 of 4 stars). 5 submissions from 5 submitters: Uncertain significance (4); Likely benign (1). Last evaluated 2026-05-29.

Conditions:
Hereditary cancer-predisposing syndrome. Also called: Neoplastic Syndromes, Hereditary; Hereditary Cancer Syndrome; Hereditary neoplastic syndrome; Tumor predisposition. Identifiers: Orphanet 140162, MedGen C0027672, MeSH D009386, MONDO:0015356.
Gastrointestinal stromal tumor. Also called: Gastrointestinal stroma tumor; Gastrointestinal stromal tumor, somatic. Identifiers: Orphanet 44890, MedGen C0238198, MeSH D046152, MONDO:0011719, OMIM 606764, HP:0100723.

Allele frequency attached by ClinVar (database versions not stated): TOPMed 0.00001; ExAC 0.00002; gnomAD exomes 0.00002.
gnomAD v4.1: 6 of 1,611,286 alleles (0.00037%); highest among the groups gnomAD compares: East Asian, 0.0022%; no homozygotes.

Submissions (5):

Myriad Genetics, Inc.
Classification: Likely benign for Gastrointestinal stromal tumor. Last evaluated: 2026-05-29. Review status: criteria provided, single submitter. Criteria: Myriad Autosomal Dominant, Autosomal Recessive and X-Linked Classification Criteria (2023). Collection method: clinical testing. Allele origin: unknown.
Comment: This variant is considered likely benign. This variant has been observed at a population frequency that is significantly greater than expected given the associated disease prevalence and penetrance.

Labcorp Genetics (formerly Invitae), Labcorp
Classification: Uncertain significance for Gastrointestinal stromal tumor. Last evaluated: 2025-12-15. Review status: criteria provided, single submitter. Criteria: Invitae Variant Classification Sherloc (09022015). Collection method: clinical testing. Allele origin: germline.
Comment: This sequence change replaces aspartic acid, which is acidic and polar, with asparagine, which is neutral and polar, at codon 716 of the KIT protein (p.Asp716Asn). This variant is present in population databases (rs769701248, gnomAD 0.003%). This variant has not been reported in the literature in individuals affected with KIT-related conditions. ClinVar contains an entry for this variant (Variation ID: 409784). An algorithm developed to predict the effect of missense changes on protein structure and function (PolyPhen-2) suggests that this variant is likely to be disruptive. In summary, the available evidence is currently insufficient to determine the role of this variant in disease. Therefore, it has been classified as a Variant of Uncertain Significance.

Ambry Genetics
Classification: Uncertain significance for Hereditary cancer-predisposing syndrome. Last evaluated: 2025-02-14. Review status: criteria provided, single submitter. Criteria: Ambry Variant Classification Scheme 2023. Collection method: clinical testing. Allele origin: germline.
Comment: The p.D716N variant (also known as c.2146G>A), located in coding exon 15 of the KIT gene, results from a G to A substitution at nucleotide position 2146. The aspartic acid at codon 716 is replaced by asparagine, an amino acid with highly similar properties. This amino acid position is highly conserved in available vertebrate species. In addition, this alteration is predicted to be tolerated by in silico analysis. Based on the available evidence, the clinical significance of this variant remains unclear.

Baylor Genetics
Classification: Uncertain significance for Gastrointestinal stromal tumor. Last evaluated: 2023-05-25. Review status: criteria provided, single submitter. Criteria: ACMG Guidelines, 2015. Collection method: clinical testing. Allele origin: unknown.

GeneDx
Classification: Uncertain significance. Last evaluated: 2022-06-09. Review status: criteria provided, single submitter. Criteria: GeneDx Variant Classification Process June 2021. Collection method: clinical testing. Allele origin: germline. Affected: yes.
Comment: Not observed at significant frequency in large population cohorts (gnomAD); In silico analysis supports that this missense variant does not alter protein structure/function; Has not been previously published as pathogenic or benign to our knowledge; This variant is associated with the following publications: (PMID: 15685537)